The following is an entry in ClinVar:

NM_005629.4(SLC6A8):c.1754G>A (p.Gly585Asp)

Gene: SLC6A8 (solute carrier family 6 member 8; plus strand). Cytogenetic location: Xq28.
Variant type: single nucleotide variant.
Coding change: c.1754G>A on transcript NM_005629.4 (MANE Select); coding-DNA position 1754, G replaced by A.
Protein change: p.Gly585Asp; replaces glycine 585 with aspartic acid.
Molecular consequence: missense variant.
Genome position (GRCh38, 1-based): chrX:153,694,876, G>A. VCF-style: chrX-153694876-G-A. GRCh37 (hg19) VCF-style: chrX-152960331-G-A.
Other names: c.1724G>A, p.Gly575Asp (NM_001142805.2); c.1409G>A, p.Gly470Asp (NM_001142806.1); short protein forms G470D, G575D, G585D.
Identifiers: ClinVar variation 4882280 (VCV004882280.2).

ClinVar aggregate classification (germline): Uncertain significance (1 of 4 stars; one submission).

Submission:

Dasa
Classification: Uncertain significance. Last evaluated: 2026-04-09. Review status: criteria provided, single submitter. Criteria: DASA Assertion Criteria. Collection method: clinical testing. Allele origin: germline.
Comment: NM_005629.4(SLC6A8):c.1754G>A (p.Gly585Asp) is a missense variant that results in the substitution of glycine with aspartic acid. This variant is rare in population databases. Computational prediction algorithms are consistent with a deleterious effect. The currently available literature and clinical evidence are not sufficient to establish a definitive association between this variant and the reported condition. Therefore, this variant is classified as a variant of uncertain significance.